The following is an entry in ClinVar:

ClinVar aggregate classification (germline): Benign/Likely benign. Review status: criteria provided, multiple submitters, no conflicts (2 of 4 stars). 3 submissions from 3 submitters: Benign (2); Likely benign (1). Last evaluated 2026-02-01.

Conditions:
Saldino-Mainzer syndrome (SRTD9). Also called: SHORT-RIB THORACIC DYSPLASIA 9 WITHOUT POLYDACTYLY; Renal dysplasia, retinal pigmentary dystrophy, cerebellar ataxia and skeletal dysplasia; CONORENAL SYNDROME; short-rib thoracic dysplasia 9 with or without polydactyly. Identifiers: Orphanet 140969, MedGen C1849437, MONDO:0009964, OMIM 266920.

Allele frequency attached by ClinVar (database versions not stated): gnomAD exomes 0.00047 and 0.00133; ExAC 0.00165; 1000 Genomes Project 0.00339; 1000 Genomes Project 30x 0.00375; gnomAD 0.00512 and 0.00552; TOPMed 0.00561; ESP Exome Variant Server 0.00692.
gnomAD v4.1: 1,484 of 1,609,432 alleles (0.092%); highest among the groups gnomAD compares: African/African-American, 1.7%; 16 homozygotes.

Submissions (3):

Labcorp Genetics (formerly Invitae), Labcorp
Classification: Benign for Saldino-Mainzer syndrome. Last evaluated: 2026-02-01. Review status: criteria provided, single submitter. Criteria: Invitae Variant Classification Sherloc (09022015). Collection method: clinical testing. Allele origin: germline.

Illumina Laboratory Services, Illumina
Classification: Benign for Saldino-Mainzer syndrome. Last evaluated: 2018-01-13. Review status: criteria provided, single submitter. Criteria: ICSL Variant Classification Criteria 13 December 2019. Collection method: clinical testing. Allele origin: germline.
Comment: This variant was observed in the ICSL laboratory as part of a predisposition screen in an ostensibly healthy population. It had not been previously curated by ICSL or reported in the Human Gene Mutation Database (HGMD: prior to June 1st, 2018), and was therefore a candidate for classification through an automated scoring system. Utilizing variant allele frequency, disease prevalence and penetrance estimates, and inheritance mode, an automated score was calculated to assess if this variant is too frequent to cause the disease. Based on the score and internal cut-off values, a variant classified as benign is not then subjected to further curation. The score for this variant resulted in a classification of benign for this disease.

GeneDx
Classification: Likely benign. Last evaluated: 2017-09-18. Review status: criteria provided, single submitter. Criteria: GeneDx Variant Classification (06012015). Collection method: clinical testing. Allele origin: germline. Affected: yes.
Comment: This variant is considered likely benign or benign based on one or more of the following criteria: it is a conservative change, it occurs at a poorly conserved position in the protein, it is predicted to be benign by multiple in silico algorithms, and/or has population frequency not consistent with disease.

NM_014714.4(IFT140):c.1524+3A>G

Genes: IFT140 (intraflagellar transport 140; minus strand), LOC105371046 (uncharacterized LOC105371046; plus strand). Cytogenetic location: 16p13.3.
Variant type: single nucleotide variant.
Coding change: c.1524+3A>G on transcript NM_014714.4 (MANE Select); 3 bases into the intron after coding-DNA position 1524, A replaced by G.
Molecular consequence: intron variant.
Genome position (GRCh38, 1-based): chr16:1,580,756, T>C on the plus strand (A>G on the coding strand, the complement: IFT140 is on the minus strand). VCF-style: chr16-1580756-T-C. GRCh37 (hg19) VCF-style: chr16-1630757-T-C.
Identifiers: ClinVar variation 512128 (VCV000512128.15), dbSNP rs149791451, ClinGen allele CA7814253.
Genomic context (GRCh38, chr16:1,580,756, plus strand): 5'-CTCAATTGAGAGGCAGGATTTCAAACTCTGCTCTGGTTTTCTTGCAGTGGAGCAGCAACT[T>C]ACCTGCCAGGTTCGAACTTGAACTCGGTTTGACTCCACCGTGTAAACGTTTTCTTCATGC-3'